The following is an entry in ClinVar:

ClinVar aggregate classification (germline): Benign/Likely benign. Review status: criteria provided, multiple submitters, no conflicts (2 of 4 stars). 12 submissions from 12 submitters: Benign (8); Likely benign (1). 3 of the submissions do not count toward it. Last evaluated 2026-01-31.

Conditions:
Spastic paraplegia. Identifiers: MedGen C0037772, HP:0001258.
Hereditary spastic paraplegia. Also called: Familial spastic paraparesis. Identifiers: Orphanet 685, MedGen C0037773, MONDO:0019064. Disease mechanism: loss of function.
Hereditary spastic paraplegia 15 (SPG15). Also called: SPASTIC PARAPLEGIA AND RETINAL DEGENERATION; KJELLIN SYNDROME; SPASTIC PARAPLEGIA 15, AUTOSOMAL RECESSIVE. Identifiers: Orphanet 100996, MedGen C1849128, MONDO:0010044, OMIM 270700.

Allele frequency attached by ClinVar (database versions not stated): 1000 Genomes Project 0.07448; 1000 Genomes Project 30x 0.07636; ExAC 0.04602; gnomAD 0.04730; ESP Exome Variant Server 0.05110; TOPMed 0.05532.
gnomAD v4.1: 38,823 of 1,597,948 alleles (2.4%); highest among the groups gnomAD compares: East Asian, 13%; 1,179 homozygotes.

Submissions (12):

Labcorp Genetics (formerly Invitae), Labcorp
Classification: Benign for Spastic paraplegia. Last evaluated: 2026-01-31. Review status: criteria provided, single submitter. Criteria: Invitae Variant Classification Sherloc (09022015). Collection method: clinical testing. Allele origin: germline.

Athena Diagnostics
Classification: Benign. Last evaluated: 2025-09-19. Review status: criteria provided, single submitter. Criteria: Athena Diagnostics Criteria. Collection method: clinical testing. Allele origin: unknown.
Comment: The frequency of this variant in the general population is higher than would generally be expected for pathogenic variants in this gene. Computational tools predict this amino acid change may be benign.

Blueprint Genetics
Classification: Likely benign. Last evaluated: 2024-11-27. Review status: criteria provided, single submitter. Criteria: ACMG Guidelines, 2015. Collection method: clinical testing. Allele origin: germline.

Genome-Nilou Lab
Classification: Benign for Hereditary spastic paraplegia 15. Last evaluated: 2021-12-05. Review status: criteria provided, single submitter. Criteria: ACMG Guidelines, 2015. Collection method: clinical testing. Allele origin: germline. Affected: no.

Illumina Laboratory Services, Illumina
Classification: Benign for Hereditary spastic paraplegia 15. Last evaluated: 2018-01-13. Review status: criteria provided, single submitter. Criteria: ICSL Variant Classification Criteria 13 December 2019. Collection method: clinical testing. Allele origin: germline.
Comment: This variant was observed in the ICSL laboratory as part of a predisposition screen in an ostensibly healthy population. It had not been previously curated by ICSL or reported in the Human Gene Mutation Database (HGMD: prior to June 1st, 2018), and was therefore a candidate for classification through an automated scoring system. Utilizing variant allele frequency, disease prevalence and penetrance estimates, and inheritance mode, an automated score was calculated to assess if this variant is too frequent to cause the disease. Based on the score and internal cut-off values, a variant classified as benign is not then subjected to further curation. The score for this variant resulted in a classification of benign for this disease.

Genome Diagnostics Laboratory, The Hospital for Sick Children
Classification: Benign for Hereditary spastic paraplegia. Last evaluated: 2016-12-12. Review status: criteria provided, single submitter. Criteria: ACMG Guidelines, 2015. Collection method: clinical testing. Allele origin: germline. Affected: yes.

Mayo Clinic Laboratories, Mayo Clinic
Classification: Benign. Last evaluated: 2016-05-26. Review status: criteria provided, single submitter. Criteria: ACMG Guidelines, 2015. Collection method: clinical testing. Allele origin: germline. Observed: 81 variant alleles.

GeneDx
Classification: Benign. Last evaluated: 2016-05-25. Review status: criteria provided, single submitter. Criteria: GeneDx Variant Classification (06012015). Collection method: clinical testing. Allele origin: germline. Affected: yes.
Comment: This variant is considered likely benign or benign based on one or more of the following criteria: it is a conservative change, it occurs at a poorly conserved position in the protein, it is predicted to be benign by multiple in silico algorithms, and/or has population frequency not consistent with disease.

Breakthrough Genomics
Classification: Benign. Review status: criteria provided, single submitter. Criteria: ACMG Guidelines, 2015. Collection method: not provided. Allele origin: germline. Inheritance: Autosomal recessive inheritance. Affected: yes.

Genetic Services Laboratory, University of Chicago
Classification: Likely benign for AllHighlyPenetrant. Review status: no assertion criteria provided. Collection method: clinical testing. Allele origin: germline. Inheritance: Autosomal recessive inheritance. Not counted in ClinVar's aggregate classification.
Comment: Likely benign based on allele frequency in 1000 Genomes Project or ESP global frequency and its presence in a patient with a rare or unrelated disease phenotype. NOT Sanger confirmed.

Joint Genome Diagnostic Labs from Nijmegen and Maastricht, Radboudumc and MUMC+
Classification: Benign. Review status: no assertion criteria provided. Collection method: clinical testing. Allele origin: germline. Affected: yes. Study: VKGL Data-share Consensus. Not counted in ClinVar's aggregate classification.

Laboratory of Diagnostic Genome Analysis, Leiden University Medical Center (LUMC)
Classification: Likely benign. Review status: no assertion criteria provided. Collection method: clinical testing. Allele origin: germline. Affected: yes. Study: VKGL Data-share Consensus. Not counted in ClinVar's aggregate classification.

Literature cited by the submitters: PubMed 24833714 (cited by Athena Diagnostics); PubMed 31048186 (cited by Athena Diagnostics).

NM_015346.4(ZFYVE26):c.3308C>T (p.Pro1103Leu)

Gene: ZFYVE26 (zinc finger FYVE-type containing 26; minus strand). Cytogenetic location: 14q24.1.
Variant type: single nucleotide variant.
Coding change: c.3308C>T on transcript NM_015346.4 (MANE Select); coding-DNA position 3308, C replaced by T.
Protein change: p.Pro1103Leu; replaces proline 1103 with leucine.
Molecular consequence: missense variant.
Genome position (GRCh38, 1-based): chr14:67,785,274, G>A on the plus strand (C>T on the coding strand, the complement: ZFYVE26 is on the minus strand). VCF-style: chr14-67785274-G-A. GRCh37 (hg19) VCF-style: chr14-68251991-G-A.
Other names: short protein forms P1103L.
Identifiers: ClinVar variation 130780 (VCV000130780.30), dbSNP rs3742885, ClinGen allele CA156057.